The following is an entry in ClinVar:

NM_006904.7(PRKDC):c.9316G>A (p.Gly3106Ser)

Gene: PRKDC (protein kinase, DNA-activated, catalytic subunit; minus strand). Cytogenetic location: 8q11.21.
Variant type: single nucleotide variant.
Coding change: c.9316G>A on transcript NM_006904.7 (MANE Select); coding-DNA position 9316, G replaced by A.
Protein change: p.Gly3106Ser; replaces glycine 3106 with serine.
Molecular consequence: missense variant.
Genome position (GRCh38, 1-based): chr8:47,820,739, C>T on the plus strand (G>A on the coding strand, the complement: PRKDC is on the minus strand). VCF-style: chr8-47820739-C-T. GRCh37 (hg19) VCF-style: chr8-48733300-C-T.
Other names: c.9316G>A, p.Gly3106Ser (NM_001081640.2); short protein forms G3106S.
Identifiers: ClinVar variation 1766552 (VCV001766552.2), dbSNP rs761754889, ClinGen allele CA4739627.

ClinVar aggregate classification (germline): Uncertain significance (1 of 4 stars; one submission).

Submission:

Ambry Genetics
Classification: Uncertain significance. Last evaluated: 2021-11-14. Review status: criteria provided, single submitter. Criteria: Ambry Variant Classification Scheme 2023. Collection method: clinical testing. Allele origin: germline.
Comment: The p.G3106S variant (also known as c.9316G>A), located in coding exon 66 of the PRKDC gene, results from a G to A substitution at nucleotide position 9316. The glycine at codon 3106 is replaced by serine, an amino acid with similar properties. This amino acid position is conserved. In addition, this alteration is predicted to be tolerated by in silico analysis. Since supporting evidence is limited at this time, the clinical significance of this alteration remains unclear.